The following is an entry in ClinVar:

NM_005263.5(GFI1):c.219C>A (p.Asp73Glu)

Gene: GFI1 (growth factor independent 1 transcriptional repressor; minus strand). Cytogenetic location: 1p22.1.
Variant type: single nucleotide variant.
Coding change: c.219C>A on transcript NM_005263.5 (MANE Select); coding-DNA position 219, C replaced by A.
Protein change: p.Asp73Glu; replaces aspartic acid 73 with glutamic acid.
Molecular consequence: missense variant.
Genome position (GRCh38, 1-based): chr1:92,482,943, G>T on the plus strand (C>A on the coding strand, the complement: GFI1 is on the minus strand). VCF-style: chr1-92482943-G-T. GRCh37 (hg19) VCF-style: chr1-92948500-G-T.
Other names: c.219C>A, p.Asp73Glu (NM_001127215.3, NM_001127216.3); short protein forms D73E.
Identifiers: ClinVar variation 3695162 (VCV003695162.3).

ClinVar aggregate classification (germline): Uncertain significance. Review status: criteria provided, multiple submitters, no conflicts (2 of 4 stars). 2 submissions from 2 submitters: Uncertain significance (2). Last evaluated 2025-11-27.

Conditions:
Neutropenia, severe congenital, 2, autosomal dominant. Identifiers: Orphanet 486, MedGen C2751288, MONDO:0013139, OMIM 613107.

gnomAD v4.1: 1 of 1,613,806 alleles (0.000062%); highest among the groups gnomAD compares: Admixed American, 0.0017%; no homozygotes.

Submissions (2):

Labcorp Genetics (formerly Invitae), Labcorp
Classification: Uncertain significance for Neutropenia, severe congenital, 2, autosomal dominant. Last evaluated: 2025-11-27. Review status: criteria provided, single submitter. Criteria: Invitae Variant Classification Sherloc (09022015). Collection method: clinical testing. Allele origin: germline.
Comment: This sequence change replaces aspartic acid, which is acidic and polar, with glutamic acid, which is acidic and polar, at codon 73 of the GFI1 protein (p.Asp73Glu). This variant is not present in population databases (gnomAD no frequency). This variant has not been reported in the literature in individuals affected with GFI1-related conditions. ClinVar contains an entry for this variant (Variation ID: 3695162). Invitae Evidence Modeling of protein sequence and biophysical properties (such as structural, functional, and spatial information, amino acid conservation, physicochemical variation, residue mobility, and thermodynamic stability) indicates that this missense variant is not expected to disrupt GFI1 protein function with a negative predictive value of 80%. In summary, the available evidence is currently insufficient to determine the role of this variant in disease. Therefore, it has been classified as a Variant of Uncertain Significance.

Ambry Genetics
Classification: Uncertain significance. Last evaluated: 2025-03-03. Review status: criteria provided, single submitter. Criteria: Ambry Variant Classification Scheme 2023. Collection method: clinical testing. Allele origin: germline.
Comment: The p.D73E variant (also known as c.219C>A), located in coding exon 2 of the GFI1 gene, results from a C to A substitution at nucleotide position 219. The aspartic acid at codon 73 is replaced by glutamic acid, an amino acid with highly similar properties. This amino acid position is conserved. In addition, this alteration is predicted to be tolerated by in silico analysis. Based on the available evidence, the clinical significance of this variant remains unclear.